The following is an entry in ClinVar:

ClinVar aggregate classification (germline): Pathogenic. Review status: criteria provided, multiple submitters, no conflicts (2 of 4 stars). 2 submissions from 2 submitters: Pathogenic (2). Last evaluated 2025-01-17.

Conditions:
Choroideremia. Also called: Chorioretinal scalloped atrophy. Identifiers: Orphanet 180, MedGen C0008525, MONDO:0010557, OMIM 303100, HP:0001139.

Submissions (2):

Institute of Medical Genetics and Applied Genomics, University Hospital Tübingen
Classification: Pathogenic for Choroideremia. Last evaluated: 2025-01-17. Review status: criteria provided, single submitter. Criteria: ACMG Guidelines, 2015. Collection method: clinical testing. Allele origin: germline. Inheritance: X-linked dominant inheritance. Affected: yes.

Labcorp Genetics (formerly Invitae), Labcorp
Classification: Pathogenic. Last evaluated: 2020-12-19. Review status: criteria provided, single submitter. Criteria: Invitae Variant Classification Sherloc (09022015). Collection method: clinical testing. Allele origin: germline.
Comment: For these reasons, this variant has been classified as Pathogenic. This variant has been observed in individual(s) with choroideremia (PMID: 27247961). This variant is not present in population databases (ExAC no frequency). This sequence change creates a premature translational stop signal (p.Trp75*) in the CHM gene. It is expected to result in an absent or disrupted protein product. Loss-of-function variants in CHM are known to be pathogenic (PMID: 9067750, 23811034).

Literature cited by the submitters: PubMed 27247961 (cited by Labcorp Genetics (formerly Invitae), Labcorp); PubMed 9067750 (cited by Labcorp Genetics (formerly Invitae), Labcorp); PubMed 23811034 (cited by Labcorp Genetics (formerly Invitae), Labcorp).

NM_000390.4(CHM):c.224G>A (p.Trp75Ter)

Gene: CHM (CHM Rab escort protein; minus strand). Cytogenetic location: Xq21.2.
Variant type: single nucleotide variant.
Coding change: c.224G>A on transcript NM_000390.4 (MANE Select); coding-DNA position 224, G replaced by A.
Protein change: p.Trp75Ter; replaces tryptophan 75 with a stop codon.
Molecular consequence: nonsense. On other transcripts: 5 prime UTR variant (4).
Genome position (GRCh38, 1-based): chrX:85,978,857, C>T on the plus strand (G>A on the coding strand, the complement: CHM is on the minus strand). VCF-style: chrX-85978857-C-T. GRCh37 (hg19) VCF-style: chrX-85233861-C-T.
Other names: c.224G>A, p.Trp75Ter (NM_001145414.4); c.-221G>A (NM_001320959.1, NM_001362517.1); c.-217G>A (NM_001362518.2, NM_001362519.1); short protein forms W75*.
Identifiers: ClinVar variation 1073806 (VCV001073806.10), dbSNP rs1931440274, ClinGen allele CA413788098.
Genomic context (GRCh38, chrX:85,978,857, plus strand): 5'-ATAGTTTTGTCCTTCCTGCTAAGAGCAATGGCTTCTTCATTTTCAAGGATCTGGTCTTGC[C>T]ACACTGGACTGTCACTTACAATGTCACTGTTTTCCTAAACAAAACACAGATAAGAAGTTT-3'